The following is an entry in ClinVar:

NM_000122.2(ERCC3):c.618C>T (p.Ala206=)

Gene: ERCC3 (ERCC excision repair 3, TFIIH core complex helicase subunit; minus strand). Cytogenetic location: 2q14.3.
Variant type: single nucleotide variant.
Coding change: c.618C>T on transcript NM_000122.2 (MANE Select); coding-DNA position 618, C replaced by T.
Protein change: p.Ala206=; no amino-acid change (alanine 206 retained).
Molecular consequence: synonymous variant.
Genome position (GRCh38, 1-based): chr2:127,289,728, G>A on the plus strand (C>T on the coding strand, the complement: ERCC3 is on the minus strand). VCF-style: chr2-127289728-G-A. GRCh37 (hg19) VCF-style: chr2-128047304-G-A.
Other names: c.426C>T, p.Ala142= (NM_001303416.2, NM_001303418.2).
Identifiers: ClinVar variation 331089 (VCV000331089.42), dbSNP rs145830873, ClinGen allele CA1858497.

ClinVar aggregate classification (germline): Conflicting classifications of pathogenicity. Review status: criteria provided, conflicting classifications (1 of 4 stars). 7 submissions from 7 submitters: Uncertain significance (1); Benign (2); Likely benign (2). 2 of the submissions do not count toward it. Last evaluated 2026-08-01.

Conditions:
Xeroderma pigmentosum group B. Also called: ERCC3-Related Xeroderma Pigmentosum; XP, GROUP B; XPB/CS; XERODERMA PIGMENTOSUM B/COCKAYNE SYNDROME. Identifiers: MedGen C0268136, MONDO:0012531, OMIM 610651.

Allele frequency attached by ClinVar (database versions not stated): 1000 Genomes Project 30x 0.00016; 1000 Genomes Project 0.00020; gnomAD exomes 0.00069 and 0.00103; gnomAD 0.00076 and 0.00077; ESP Exome Variant Server 0.00077; ExAC 0.00088; TOPMed 0.00094.
gnomAD v4.1: 1,188 of 1,614,112 alleles (0.074%); highest among the groups gnomAD compares: Middle Eastern, 0.94%; 7 homozygotes.

Submissions (7):

CeGaT Center for Human Genetics Tuebingen
Classification: Likely benign. Last evaluated: 2026-08-01. Review status: criteria provided, single submitter. Criteria: CeGaT Center For Human Genetics Tuebingen Variant Classification Criteria Version 2. Collection method: clinical testing. Allele origin: germline. Affected: yes. Observed: 11 variant alleles.
Comment: ERCC3: BP4, BP7

Labcorp Genetics (formerly Invitae), Labcorp
Classification: Benign. Last evaluated: 2026-02-01. Review status: criteria provided, single submitter. Criteria: Invitae Variant Classification Sherloc (09022015). Collection method: clinical testing. Allele origin: germline.

Blueprint Genetics
Classification: Likely benign. Last evaluated: 2024-11-13. Review status: criteria provided, single submitter. Criteria: ACMG Guidelines, 2015. Collection method: clinical testing. Allele origin: germline.

Athena Diagnostics
Classification: Benign. Last evaluated: 2019-02-25. Review status: criteria provided, single submitter. Criteria: Athena Diagnostics Criteria. Collection method: clinical testing. Allele origin: germline.

Illumina Laboratory Services, Illumina
Classification: Uncertain significance for Xeroderma pigmentosum group B. Last evaluated: 2018-01-12. Review status: criteria provided, single submitter. Criteria: ICSL Variant Classification Criteria 13 December 2019. Collection method: clinical testing. Allele origin: germline.

Clinical Genetics DNA and cytogenetics Diagnostics Lab, Erasmus MC, Erasmus Medical Center
Classification: Likely benign. Review status: no assertion criteria provided. Collection method: clinical testing. Allele origin: germline. Affected: yes. Study: VKGL Data-share Consensus. Not counted in ClinVar's aggregate classification.

Genome Diagnostics Laboratory, University Medical Center Utrecht
Classification: Likely benign. Review status: no assertion criteria provided. Collection method: clinical testing. Allele origin: germline. Affected: yes. Study: VKGL Data-share Consensus. Not counted in ClinVar's aggregate classification.